The following is an entry in ClinVar:

ClinVar aggregate classification (germline): Uncertain significance (1 of 4 stars; one submission).

Conditions:
CRAT-related disorder. Also called: CRAT-related condition.

Allele frequency attached by ClinVar (database versions not stated): gnomAD exomes 0.00001; ExAC 0.00002; gnomAD 0.00004; TOPMed 0.00006.
gnomAD v4.1: 23 of 1,600,788 alleles (0.0014%); highest among the groups gnomAD compares: African/African-American, 0.019%; no homozygotes.

Submission:

PreventionGenetics, part of Exact Sciences
Classification: Uncertain significance for CRAT-related condition. Last evaluated: 2023-08-03. Review status: criteria provided, single submitter. Criteria: ACMG Guidelines, 2015. Collection method: clinical testing. Allele origin: germline.
Comment: The CRAT c.1162G>A variant is predicted to result in the amino acid substitution p.Glu388Lys. To our knowledge, this variant has not been reported in the literature. This variant is reported in 0.025% of alleles in individuals of African descent in gnomAD. At this time, the clinical significance of this variant is uncertain due to the absence of conclusive functional and genetic evidence.

NM_000755.5(CRAT):c.1162G>A (p.Glu388Lys)

Gene: CRAT (carnitine O-acetyltransferase; minus strand). Cytogenetic location: 9q34.11.
Variant type: single nucleotide variant.
Coding change: c.1162G>A on transcript NM_000755.5 (MANE Select); coding-DNA position 1162, G replaced by A.
Protein change: p.Glu388Lys; replaces glutamic acid 388 with lysine.
Molecular consequence: missense variant.
Genome position (GRCh38, 1-based): chr9:129,098,574, C>T on the plus strand (G>A on the coding strand, the complement: CRAT is on the minus strand). VCF-style: chr9-129098574-C-T. GRCh37 (hg19) VCF-style: chr9-131860853-C-T.
Other names: c.1099G>A, p.Glu367Lys (NM_001257363.3, NM_001346548.2, NM_004003.4); c.1165G>A, p.Glu389Lys (NM_001346546.2); c.1162G>A, p.Glu388Lys (NM_001346547.2); c.1042G>A, p.Glu348Lys (NM_001346549.2); short protein forms E348K, E367K, E388K, E389K.
Identifiers: ClinVar variation 2634781 (VCV002634781.1), dbSNP rs752185041, ClinGen allele CA5275467.
Genomic context (GRCh38, chr9:129,098,574, plus strand): 5'-CGGGGGCAGGCACTTACATGCTGAGGTTCTGCTTGGCCTTCTCGATGTCGCTCTTGATCT[C>T]GGGGGTGATGTTGAACCGCAGCTTCTTGGGCATGGGCAGGGGCACCAGGGGAGACCGCAC-3'
Protein context (NP_000746.3, residues 378-398): PKKLRFNITP[Glu388Lys]IKSDIEKAKQ